The following is an entry in ClinVar:

ClinVar aggregate classification (germline): Benign/Likely benign. Review status: criteria provided, multiple submitters, no conflicts (2 of 4 stars). 5 submissions from 5 submitters: Benign (2); Likely benign (1). 2 of the submissions do not count toward it. Last evaluated 2026-02-01.

Allele frequency attached by ClinVar (database versions not stated): 1000 Genomes Project 0.00639; 1000 Genomes Project 30x 0.00640; ESP Exome Variant Server 0.01062; TOPMed 0.01068; gnomAD 0.01121 and 0.01142; ExAC 0.01274; gnomAD exomes 0.01303.
gnomAD v4.1: 21,471 of 1,563,236 alleles (1.4%); highest among the groups gnomAD compares: Middle Eastern, 2.3%; 185 homozygotes.

Submissions (5):

Labcorp Genetics (formerly Invitae), Labcorp
Classification: Benign. Last evaluated: 2026-02-01. Review status: criteria provided, single submitter. Criteria: Invitae Variant Classification Sherloc (09022015). Collection method: clinical testing. Allele origin: germline.

Mayo Clinic Laboratories, Mayo Clinic
Classification: Likely benign. Last evaluated: 2025-09-16. Review status: criteria provided, single submitter. Criteria: ACMG Guidelines, 2015. Collection method: clinical testing. Allele origin: germline. Observed: 51 variant alleles.
Comment: BS1, BP4, BP7

Breakthrough Genomics
Classification: Benign. Review status: criteria provided, single submitter. Criteria: ACMG Guidelines, 2015. Collection method: not provided. Allele origin: germline. Inheritance: Autosomal dominant inheritance. Affected: yes.

Joint Genome Diagnostic Labs from Nijmegen and Maastricht, Radboudumc and MUMC+
Classification: Benign. Review status: no assertion criteria provided. Collection method: clinical testing. Allele origin: germline. Affected: yes. Study: VKGL Data-share Consensus. Not counted in ClinVar's aggregate classification.

Laboratory of Diagnostic Genome Analysis, Leiden University Medical Center (LUMC)
Classification: Likely benign. Review status: no assertion criteria provided. Collection method: clinical testing. Allele origin: germline. Affected: yes. Study: VKGL Data-share Consensus. Not counted in ClinVar's aggregate classification.

NM_001367805.3(KIF23):c.1585T>C (p.Phe529Leu)

Gene: KIF23 (kinesin family member 23; plus strand). Cytogenetic location: 15q23.
Variant type: single nucleotide variant.
Coding change: c.1585T>C on transcript NM_001367805.3 (MANE Select); coding-DNA position 1585, T replaced by C.
Protein change: p.Phe529Leu; replaces phenylalanine 529 with leucine.
Molecular consequence: missense variant. On other transcripts: non-coding transcript variant (2).
Genome position (GRCh38, 1-based): chr15:69,436,710, T>C. VCF-style: chr15-69436710-T-C. GRCh37 (hg19) VCF-style: chr15-69729049-T-C.
Other names: p.Phe515Leu; c.1213T>C, p.Phe405Leu (NM_001281301.2); c.1543T>C, p.Phe515Leu (NM_001367804.2, NM_004856.7, NM_138555.4); short protein forms F405L, F515L, F529L.
Identifiers: ClinVar variation 1206396 (VCV001206396.13), dbSNP rs17310879, ClinGen allele CA7635217.
Genomic context (GRCh38, chr15:69,436,710, plus strand): 5'-CCAAGGCTGATTGAAGCCTTAGAGAAACGACATAACTTACGACAAATGATGATTGATGAG[T>C]TTAACAAACAATGTAAGGGCAAAACTATTTGAAATAATTTTATTTAATTATTTTTTTTTT-3'
Protein context (NP_001354734.1, residues 519-539): HNLRQMMIDE[Phe529Leu]NKQSNAFKAL